The following is an entry in ClinVar:

ClinVar aggregate classification (germline): Uncertain significance (1 of 4 stars; one submission).

Conditions:
Asphyxiating thoracic dystrophy 5 (SRTD5). Also called: SHORT-RIB THORACIC DYSPLASIA 5 WITHOUT POLYDACTYLY; SHORT-RIB THORACIC DYSPLASIA 5 WITH OR WITHOUT POLYDACTYLY. Identifiers: Orphanet 474, MedGen C3280598, MONDO:0013717, OMIM 614376.
Senior-Loken syndrome 8 (SLSN8). Identifiers: Orphanet 3156, MedGen C4225376, MONDO:0014579, OMIM 616307.

Allele frequency attached by ClinVar (database versions not stated): TOPMed 0.00001; gnomAD 0.00002.
gnomAD v4.1: 3 of 1,594,970 alleles (0.00019%); highest among the groups gnomAD compares: African/African-American, 0.004%; no homozygotes.

Submission:

Labcorp Genetics (formerly Invitae), Labcorp
Classification: Uncertain significance for Senior-Loken syndrome 8; Asphyxiating thoracic dystrophy 5. Last evaluated: 2023-08-10. Review status: criteria provided, single submitter. Criteria: Invitae Variant Classification Sherloc (09022015). Collection method: clinical testing. Allele origin: germline.
Comment: In summary, the available evidence is currently insufficient to determine the role of this variant in disease. Therefore, it has been classified as a Variant of Uncertain Significance. An algorithm developed to predict the effect of missense changes on protein structure and function (PolyPhen-2) suggests that this variant is likely to be tolerated. ClinVar contains an entry for this variant (Variation ID: 1005784). This variant has not been reported in the literature in individuals affected with WDR19-related conditions. This variant is not present in population databases (gnomAD no frequency). This sequence change replaces isoleucine, which is neutral and non-polar, with asparagine, which is neutral and polar, at codon 1162 of the WDR19 protein (p.Ile1162Asn).

NM_025132.4(WDR19):c.3485T>A (p.Ile1162Asn)

Gene: WDR19 (WD repeat domain 19; plus strand). Cytogenetic location: 4p14.
Variant type: single nucleotide variant.
Coding change: c.3485T>A on transcript NM_025132.4 (MANE Select); coding-DNA position 3485, T replaced by A.
Protein change: p.Ile1162Asn; replaces isoleucine 1162 with asparagine.
Molecular consequence: missense variant.
Genome position (GRCh38, 1-based): chr4:39,272,981, T>A. VCF-style: chr4-39272981-T-A. GRCh37 (hg19) VCF-style: chr4-39274601-T-A.
Other names: c.3005T>A, p.Ile1002Asn (NM_001317924.2); short protein forms I1002N, I1162N.
Identifiers: ClinVar variation 1005784 (VCV001005784.8), dbSNP rs1429836760, ClinGen allele CA356647057.